The following is an entry in ClinVar:

NM_000390.4(CHM):c.49+5G>C

Gene: CHM (CHM Rab escort protein; minus strand). Cytogenetic location: Xq21.2.
Variant type: single nucleotide variant.
Coding change: c.49+5G>C on transcript NM_000390.4 (MANE Select); 5 bases into the intron after coding-DNA position 49, G replaced by C.
Molecular consequence: intron variant.
Genome position (GRCh38, 1-based): chrX:86,047,479, C>G on the plus strand (G>C on the coding strand, the complement: CHM is on the minus strand). VCF-style: chrX-86047479-C-G. GRCh37 (hg19) VCF-style: chrX-85302483-C-G.
Other names: c.49+5G>C (NM_001145414.4).
Identifiers: ClinVar variation 4854173 (VCV004854173.1).
Genomic context (GRCh38, chrX:86,047,479, plus strand): 5'-ACAGAAAAAACAGAAACAAGACAGTCTTCCTAAACTTTGTCCAGGAAGCACCAGGCTACA[C>G]ATACCCGTCCCTATTACGATCACATCAAACTCCGAAGGGAGAGTATCCGCCATCTTGACG-3'

ClinVar aggregate classification (germline): Uncertain significance (1 of 4 stars; one submission).

Conditions:
Choroideremia. Also called: Chorioretinal scalloped atrophy. Identifiers: Orphanet 180, MedGen C0008525, MONDO:0010557, OMIM 303100, HP:0001139.

Submission:

3billion
Classification: Uncertain significance for Choroideremia. Last evaluated: 2025-07-10. Review status: criteria provided, single submitter. Criteria: ACMG Guidelines, 2015. Collection method: clinical testing. Allele origin: germline. Affected: yes.
Comment: The variant is not observed in the gnomAD v4.1.0 dataset. Predicted Consequence/Location: Intron variant In silico tools predict the variant to alter splicing and produce an abnormal transcript [SpliceAI: 0.68 (>=0.2, moderate evidence for spliceogenicity)]. The variant has been reported to be associated with CHM-related disorder (PMID: 28774736). Therefore, this variant is classified as VUS according to the recommendation of ACMG/AMP guideline.

Literature cited by the submitters: PubMed 28774736.